The following is an entry in ClinVar:

NM_000489.6(ATRX):c.4332AGA[1] (p.Glu1448del)

Gene: ATRX (ATRX chromatin remodeler; minus strand). Cytogenetic location: Xq21.1.
Variant type: Microsatellite.
Coding change: c.4332AGA[1] on transcript NM_000489.6 (MANE Select); one copy of the 3-base unit AGA starting at c.4332; the reference has two copies in a row; one copy, 3 bases deleted; also written c.4335_4337del.
Protein change: p.Glu1448del; deletes glutamic acid 1448.
Molecular consequence: inframe deletion.
Genome position (GRCh38, 1-based): chrX:77,652,334-77,652,336, TCT deleted on the plus strand (AGA on the coding strand, the reverse complement: ATRX is on the minus strand); deleting any 3 consecutive bases within chrX:77,652,334-77,652,341 gives the same sequence; the position shown is the placement nearest the transcript's 3' end. VCF-style (leftmost placement, unchanged base first): chrX-77652333-CTCT-C. GRCh37 (hg19) VCF-style: chrX-76907823-CTCT-C.
Other names: c.4218AGA[1], p.Glu1410del (NM_138270.5); c.4335_4337del (NM_000489.6); short protein forms E1448del, E1410del.
Identifiers: ClinVar variation 666005 (VCV000666005.13), dbSNP rs1356648720, ClinGen allele CA878374794.

ClinVar aggregate classification (germline): Conflicting classifications of pathogenicity. Review status: criteria provided, conflicting classifications (1 of 4 stars). 4 submissions from 4 submitters: Uncertain significance (2); Likely benign (1). 1 of the submissions does not count toward it. Last evaluated 2026-06-01.

Conditions:
Alpha thalassemia-X-linked intellectual disability syndrome (ATRX). Also called: ALPHA-THALASSEMIA/IMPAIRED INTELLECTUAL DEVELOPMENT SYNDROME, X-LINKED; ALPHA-THALASSEMIA/MENTAL RETARDATION SYNDROME, X-LINKED; ATR, NONDELETION TYPE; X-linked alpha-thalassemia-mental retardation syndrome; ATR-X syndrome; Alpha thalassemia mental retardation syndrome, nondeletion type, X-linked. Identifiers: Orphanet 847, MedGen C1845055, MONDO:0010519, OMIM 301040.
Acquired hemoglobin H disease (ATMDS). Also called: Alpha-thalassemia myelodysplasia syndrome; Alpha-thalassemia myelodysplasia syndrome, somatic; Alpha-thalassemia-myelodysplastic syndrome. Identifiers: Orphanet 231401, MedGen C0585216, MONDO:0010328, OMIM 300448.
Intellectual disability-hypotonic facies syndrome, X-linked, 1 (MRXHF1). Also called: CHUDLEY-LOWRY SYNDROME; Chudley syndrome 1; Chudley-Lowry-Hoar syndrome; Carpenter-Waziri syndrome; HOLMES-GANG SYNDROME; X-linked intellectual disability-hypotonic face syndrome. Identifiers: Orphanet 73220, Orphanet 93970, Orphanet 93971, Orphanet 93972, Orphanet 93973, Orphanet 93974, Orphanet 93975, MedGen C4759781, MONDO:0010663, OMIM 309580.

Submissions (4):

CeGaT Center for Human Genetics Tuebingen
Classification: Likely benign. Last evaluated: 2026-06-01. Review status: criteria provided, single submitter. Criteria: CeGaT Center For Human Genetics Tuebingen Variant Classification Criteria Version 2. Collection method: clinical testing. Allele origin: germline. Affected: yes. Observed: 1 variant allele.
Comment: ATRX: BS2

Labcorp Genetics (formerly Invitae), Labcorp
Classification: Uncertain significance for Alpha thalassemia-X-linked intellectual disability syndrome. Last evaluated: 2025-08-31. Review status: criteria provided, single submitter. Criteria: Invitae Variant Classification Sherloc (09022015). Collection method: clinical testing. Allele origin: germline.
Comment: This variant, c.4335_4337del, results in the deletion of 1 amino acid(s) of the ATRX protein (p.Glu1448del), but otherwise preserves the integrity of the reading frame. This variant is not present in population databases (gnomAD no frequency). This variant has not been reported in the literature in individuals affected with ATRX-related conditions. Experimental studies and prediction algorithms are not available or were not evaluated, and the functional significance of this variant is currently unknown. In summary, the available evidence is currently insufficient to determine the role of this variant in disease. Therefore, it has been classified as a Variant of Uncertain Significance.

Fulgent Genetics
Classification: Uncertain significance for Acquired hemoglobin H disease; Alpha thalassemia-X-linked intellectual disability syndrome; Intellectual disability-hypotonic facies syndrome, X-linked, 1. Last evaluated: 2021-08-24. Review status: criteria provided, single submitter. Criteria: ACMG Guidelines, 2015. Collection method: clinical testing. Allele origin: unknown.

Natera, Inc.
Classification: Uncertain significance for X-linked alpha-thalassemia-mental retardation syndrome. Last evaluated: 2019-11-11. Review status: no assertion criteria provided. Collection method: clinical testing. Allele origin: germline. Not counted in ClinVar's aggregate classification.